The following is an entry in ClinVar:

NM_000368.5(TSC1):c.1045C>T (p.Pro349Ser)

Gene: TSC1 (TSC complex subunit 1; minus strand). Cytogenetic location: 9q34.13.
Variant type: single nucleotide variant.
Coding change: c.1045C>T on transcript NM_000368.5 (MANE Select); coding-DNA position 1045, C replaced by T.
Protein change: p.Pro349Ser; replaces proline 349 with serine.
Molecular consequence: missense variant.
Genome position (GRCh38, 1-based): chr9:132,911,098, G>A on the plus strand (C>T on the coding strand, the complement: TSC1 is on the minus strand). VCF-style: chr9-132911098-G-A. GRCh37 (hg19) VCF-style: chr9-135786485-G-A.
Other names: c.1045C>T, p.Pro349Ser (NM_001162426.2); c.892C>T, p.Pro298Ser (NM_001162427.2); c.682C>T, p.Pro228Ser (NM_001362177.2); short protein forms P228S, P298S, P349S.
Identifiers: ClinVar variation 842964 (VCV000842964.9), dbSNP rs779767990, ClinGen allele CA375367841.

ClinVar aggregate classification (germline): Uncertain significance (1 of 4 stars; one submission).

Conditions:
Tuberous sclerosis 1 (TSC1). Identifiers: Orphanet 805, MedGen C1854465, MONDO:0008612, OMIM 191100.

Submission:

Labcorp Genetics (formerly Invitae), Labcorp
Classification: Uncertain significance for Tuberous sclerosis 1. Last evaluated: 2019-11-27. Review status: criteria provided, single submitter. Criteria: Invitae Variant Classification Sherloc (09022015). Collection method: clinical testing. Allele origin: germline.
Comment: This variant is not present in population databases (ExAC no frequency). This sequence change replaces proline with serine at codon 349 of the TSC1 protein (p.Pro349Ser). The proline residue is highly conserved and there is a moderate physicochemical difference between proline and serine. This variant has not been reported in the literature in individuals with TSC1-related conditions. In summary, the available evidence is currently insufficient to determine the role of this variant in disease. Therefore, it has been classified as a Variant of Uncertain Significance. Algorithms developed to predict the effect of missense changes on protein structure and function are either unavailable or do not agree on the potential impact of this missense change (SIFT: "Tolerated"; PolyPhen-2: "Probably Damaging"; Align-GVGD: "Class C0").